The following is an entry in ClinVar:

NM_001943.5(DSG2):c.951AGG[1] (p.Gly319del)

Gene: DSG2 (desmoglein 2; plus strand). Cytogenetic location: 18q12.1.
Variant type: Microsatellite.
Coding change: c.951AGG[1] on transcript NM_001943.5 (MANE Select); one copy of the 3-base unit AGG starting at c.951; the reference has two copies in a row; one copy, 3 bases deleted.
Protein change: p.Gly319del; deletes glycine 319.
Genome position (GRCh38, 1-based): chr18:31,524,828-31,524,830, AGG deleted; deleting any 3 consecutive bases within chr18:31,524,825-31,524,830 gives the same sequence; the position shown is the placement nearest the transcript's 3' end. VCF-style (leftmost placement, unchanged base first): chr18-31524824-AAGG-A. GRCh37 (hg19) VCF-style: chr18-29104787-AAGG-A.
Other names: short protein forms G319del.
Identifiers: ClinVar variation 3701580 (VCV003701580.2).

ClinVar aggregate classification (germline): Uncertain significance (1 of 4 stars; one submission).

Conditions:
Arrhythmogenic right ventricular dysplasia 10. Also called: Arrhythmogenic Right Ventricular Dysplasia/Cardiomyopathy10; ARRHYTHMOGENIC RIGHT VENTRICULAR DYSPLASIA, FAMILIAL, 10; Arrhythmogenic right ventricular dysplasia/cardiomyopathy, type 10. Identifiers: MedGen C1857777, MONDO:0012434, OMIM 610193.

Submission:

Labcorp Genetics (formerly Invitae), Labcorp
Classification: Uncertain significance for Arrhythmogenic right ventricular dysplasia 10. Last evaluated: 2024-04-29. Review status: criteria provided, single submitter. Criteria: Invitae Variant Classification Sherloc (09022015). Collection method: clinical testing. Allele origin: germline.
Comment: This variant, c.954_956del, results in the deletion of 1 amino acid(s) of the DSG2 protein (p.Gly319del), but otherwise preserves the integrity of the reading frame. This variant is present in population databases (no rsID available, gnomAD 0.007%). This variant has not been reported in the literature in individuals affected with DSG2-related conditions. Experimental studies and prediction algorithms are not available or were not evaluated, and the functional significance of this variant is currently unknown. In summary, the available evidence is currently insufficient to determine the role of this variant in disease. Therefore, it has been classified as a Variant of Uncertain Significance.